The following is an entry in ClinVar:

ClinVar aggregate classification (germline): Uncertain significance (1 of 4 stars; one submission).

Allele frequency attached by ClinVar (database versions not stated): gnomAD 0.00002; TOPMed 0.00002; ExAC 0.00003; ESP Exome Variant Server 0.00015.
gnomAD v4.1: 27 of 1,614,052 alleles (0.0017%); highest among the groups gnomAD compares: Non-Finnish European, 0.0023%; no homozygotes.

Submission:

Labcorp Genetics (formerly Invitae), Labcorp
Classification: Uncertain significance. Last evaluated: 2025-07-30. Review status: criteria provided, single submitter. Criteria: Invitae Variant Classification Sherloc (09022015). Collection method: clinical testing. Allele origin: germline.
Comment: This sequence change replaces threonine, which is neutral and polar, with alanine, which is neutral and non-polar, at codon 413 of the DEAF1 protein (p.Thr413Ala). This variant is present in population databases (rs370451688, gnomAD 0.006%). This variant has not been reported in the literature in individuals affected with DEAF1-related conditions. ClinVar contains an entry for this variant (Variation ID: 1393038). Invitae Evidence Modeling of protein sequence and biophysical properties (such as structural, functional, and spatial information, amino acid conservation, physicochemical variation, residue mobility, and thermodynamic stability) indicates that this missense variant is not expected to disrupt DEAF1 protein function with a negative predictive value of 80%. In summary, the available evidence is currently insufficient to determine the role of this variant in disease. Therefore, it has been classified as a Variant of Uncertain Significance.

NM_021008.4(DEAF1):c.1237A>G (p.Thr413Ala)

Gene: DEAF1 (DEAF1 transcription factor; minus strand). Cytogenetic location: 11p15.5.
Variant type: single nucleotide variant.
Coding change: c.1237A>G on transcript NM_021008.4 (MANE Select); coding-DNA position 1237, A replaced by G.
Protein change: p.Thr413Ala; replaces threonine 413 with alanine.
Molecular consequence: missense variant.
Genome position (GRCh38, 1-based): chr11:678,712, T>C on the plus strand (A>G on the coding strand, the complement: DEAF1 is on the minus strand). VCF-style: chr11-678712-T-C. GRCh37 (hg19) VCF-style: chr11-678712-T-C.
Other names: c.970A>G, p.Thr324Ala (NM_001293634.2); c.511A>G, p.Thr171Ala (NM_001367390.1); short protein forms T413A, T171A, T324A.
Identifiers: ClinVar variation 1393038 (VCV001393038.5), dbSNP rs370451688, ClinGen allele CA5786276.